The following is an entry in ClinVar:

ClinVar aggregate classification (germline): Likely benign (1 of 4 stars; one submission).

gnomAD v4.1: 1 of 1,614,226 alleles (0.000062%); highest among the groups gnomAD compares: South Asian, 0.0011%; no homozygotes.

Submission:

CeGaT Center for Human Genetics Tuebingen
Classification: Likely benign. Last evaluated: 2023-06-01. Review status: criteria provided, single submitter. Criteria: CeGaT Center For Human Genetics Tuebingen Variant Classification Criteria Version 2. Collection method: clinical testing. Allele origin: germline. Affected: yes. Observed: 1 variant allele.
Comment: CEMIP: BP4, BP7

NM_001293298.2(CEMIP):c.2238C>A (p.Thr746=)

Gene: CEMIP (cell migration inducing hyaluronidase 1; plus strand). Cytogenetic location: 15q25.1.
Variant type: single nucleotide variant.
Coding change: c.2238C>A on transcript NM_001293298.2 (MANE Select); coding-DNA position 2238, C replaced by A.
Protein change: p.Thr746=; no amino-acid change (threonine 746 retained).
Molecular consequence: synonymous variant.
Genome position (GRCh38, 1-based): chr15:80,924,656, C>A. VCF-style: chr15-80924656-C-A. GRCh37 (hg19) VCF-style: chr15-81216997-C-A.
Other names: c.2238C>A, p.Thr746= (NM_001293304.2, NM_018689.3).
Identifiers: ClinVar variation 2645631 (VCV002645631.24), dbSNP rs748941243, ClinGen allele CA491746869.